The following is an entry in ClinVar:

ClinVar aggregate classification (germline): Uncertain significance (1 of 4 stars; one submission).

Conditions:
Hereditary sensory and autonomic neuropathy type 7. Also called: Neuropathy, hereditary sensory and autonomic, type VII; HSAN VII. Identifiers: Orphanet 391397, MedGen C3809882, MONDO:0014244, OMIM 615548.
Familial episodic pain syndrome with predominantly lower limb involvement. Also called: Episodic pain syndrome, familial, 3. Identifiers: Orphanet 391384, Orphanet 391392, MedGen C3809899, MONDO:0014247, OMIM 615552.

gnomAD v4.1: 1 of 1,606,486 alleles (0.000062%); highest among the groups gnomAD compares: African/African-American, 0.0013%; no homozygotes.

Submission:

Labcorp Genetics (formerly Invitae), Labcorp
Classification: Uncertain significance for Familial episodic pain syndrome with predominantly lower limb involvement; Hereditary sensory and autonomic neuropathy type 7. Last evaluated: 2025-08-11. Review status: criteria provided, single submitter. Criteria: Invitae Variant Classification Sherloc (09022015). Collection method: clinical testing. Allele origin: germline.
Comment: This sequence change replaces lysine, which is basic and polar, with glutamic acid, which is acidic and polar, at codon 1330 of the SCN11A protein (p.Lys1330Glu). This variant is not present in population databases (gnomAD no frequency). This variant has not been reported in the literature in individuals affected with SCN11A-related conditions. ClinVar contains an entry for this variant (Variation ID: 3763648). Invitae Evidence Modeling of protein sequence and biophysical properties (such as structural, functional, and spatial information, amino acid conservation, physicochemical variation, residue mobility, and thermodynamic stability) indicates that this missense variant is expected to disrupt SCN11A protein function with a positive predictive value of 80%. Algorithms developed to predict the effect of sequence changes on RNA splicing suggest that this variant may disrupt the consensus splice site. In summary, the available evidence is currently insufficient to determine the role of this variant in disease. Therefore, it has been classified as a Variant of Uncertain Significance.

NM_001349253.2(SCN11A):c.3988A>G (p.Lys1330Glu)

Gene: SCN11A (sodium voltage-gated channel alpha subunit 11; minus strand). Cytogenetic location: 3p22.2.
Variant type: single nucleotide variant.
Coding change: c.3988A>G on transcript NM_001349253.2 (MANE Select); coding-DNA position 3988, A replaced by G.
Protein change: p.Lys1330Glu; replaces lysine 1330 with glutamic acid.
Molecular consequence: missense variant.
Genome position (GRCh38, 1-based): chr3:38,863,263, T>C on the plus strand (A>G on the coding strand, the complement: SCN11A is on the minus strand). VCF-style: chr3-38863263-T-C. GRCh37 (hg19) VCF-style: chr3-38904754-T-C.
Other names: c.3988A>G, p.Lys1330Glu (NM_014139.3); short protein forms K1330E.
Identifiers: ClinVar variation 3763648 (VCV003763648.2).